The following is an entry in ClinVar:

ClinVar aggregate classification (germline): Conflicting classifications of pathogenicity. Review status: criteria provided, conflicting classifications (1 of 4 stars). 9 submissions from 7 submitters: Uncertain significance (7); Benign (1); Likely benign (1). Last evaluated 2026-06-02.

Conditions:
Atypical hemolytic-uremic syndrome. Identifiers: Orphanet 2134, MedGen C2931788, MONDO:0016244.
Complement component 3 deficiency. Identifiers: Orphanet 280133, MedGen C3151071, MONDO:0013417, OMIM 613779.
Age related macular degeneration 9. Identifiers: MedGen C1969651, MONDO:0012659, OMIM 611378.
Atypical hemolytic-uremic syndrome with C3 anomaly. Also called: AHUS, SUSCEPTIBILITY TO, 5. Identifiers: Orphanet 2134, MedGen C2752037, MONDO:0013043, OMIM 612925.

Allele frequency attached by ClinVar (database versions not stated): 1000 Genomes Project 30x 0.00016; 1000 Genomes Project 0.00020; ExAC 0.00040; gnomAD exomes 0.00044 and 0.00082; TOPMed 0.00048; gnomAD 0.00056 and 0.00058; ESP Exome Variant Server 0.00069.
gnomAD v4.1: 1,284 of 1,614,010 alleles (0.08%); highest among the groups gnomAD compares: Non-Finnish European, 0.1%; no homozygotes.

Submissions (9):

Women's Health and Genetics/Laboratory Corporation of America, LabCorp
Classification: Uncertain significance. Last evaluated: 2026-06-02. Review status: criteria provided, single submitter. Criteria: LabCorp Variant Classification Summary - May 2015. Collection method: clinical testing. Allele origin: germline.
Comment: Variant summary: C3 c.1898A>G (p.Lys633Arg) results in a conservative amino acid change in the encoded protein sequence. Algorithms developed to predict the effect of missense changes on protein structure and function all suggest that this variant is likely to be tolerated. The variant allele was found at a frequency of 0.00044 in 251212 control chromosomes. This frequency is not significantly higher than estimated for disease-causing variants in C3, allowing no conclusion about variant significance. c.1898A>G has been observed in the heterozygous state in individuals affected with atypical hemolytic-uremic syndrome without strong evidence for causality (e.g. Moore_2010, Noris_2014, Schramm_2015, Zhang_2022, Gastoldi_2023). These reports do not provide unequivocal conclusions about association of the variant with disease. At least one publication reports experimental evidence evaluating an impact on protein function, however, does not allow convincing conclusions about the variant effect (Mohlin_2018). The following publications have been ascertained in the context of this evaluation (PMID: 36845135, 30131807, 19861685, 25037630, 25608561, 35619721). ClinVar contains an entry for this variant (Variation ID: 330314). Based on the evidence outlined above, the variant was classified as uncertain significance.

Labcorp Genetics (formerly Invitae), Labcorp
Classification: Uncertain significance. Last evaluated: 2026-01-08. Review status: criteria provided, single submitter. Criteria: Invitae Variant Classification Sherloc (09022015). Collection method: clinical testing. Allele origin: germline.
Comment: This sequence change replaces lysine, which is basic and polar, with arginine, which is basic and polar, at codon 633 of the C3 protein (p.Lys633Arg). This variant is present in population databases (rs140655115, gnomAD 0.08%), and has an allele count higher than expected for a pathogenic variant. This missense change has been observed in individual(s) with atypical hemolytic uremic syndrome (PMID: 19861685, 25608561, 36845135). This variant is also known as K611R. ClinVar contains an entry for this variant (Variation ID: 330314). Invitae Evidence Modeling of protein sequence and biophysical properties (such as structural, functional, and spatial information, amino acid conservation, physicochemical variation, residue mobility, and thermodynamic stability) indicates that this missense variant is not expected to disrupt C3 protein function with a negative predictive value of 80%. Experimental studies are conflicting or provide insufficient evidence to determine the effect of this variant on C3 function (PMID: 30131807). In summary, the available evidence is currently insufficient to determine the role of this variant in disease. Therefore, it has been classified as a Variant of Uncertain Significance.

Mayo Clinic Laboratories, Mayo Clinic
Classification: Uncertain significance. Last evaluated: 2025-12-03. Review status: criteria provided, single submitter. Criteria: ACMG Guidelines, 2015. Collection method: clinical testing. Allele origin: germline. Observed: 5 variant alleles.
Comment: PP3

Genomenon, Inc
Classification: Uncertain significance for Atypical hemolytic-uremic syndrome. Last evaluated: 2025-09-30. Review status: criteria provided, single submitter. Criteria: Genomenon Sequence Variant Interpretation Standards. Collection method: curation. Allele origin: germline. Affected: yes.
Comment: C3 p.Lys633Arg (c.1898A>G) is a missense variant that changes the amino acid at residue 633 from Lysine to Arginine. This variant has been observed in at least one proband affected with atypical hemolytic uremic syndrome (PMID:25608561;35619721;19861685). Functional studies have been reported; however, the significance of the findings remain unclear (PMID:36845135;30131807). In silico models agree that this variant is possibly or probably damaging. In conclusion, we classify C3 p.Lys633Arg (c.1898A>G) as a variant of unknown significance.

Blueprint Genetics
Classification: Likely benign. Last evaluated: 2024-11-07. Review status: criteria provided, single submitter. Criteria: ACMG Guidelines, 2015. Collection method: clinical testing. Allele origin: germline.

Fulgent Genetics
Classification: Uncertain significance for Age related macular degeneration 9; Atypical hemolytic-uremic syndrome with C3 anomaly; Complement component 3 deficiency. Last evaluated: 2024-06-13. Review status: criteria provided, single submitter. Criteria: ACMG Guidelines, 2015. Collection method: clinical testing. Allele origin: germline.

Illumina Laboratory Services, Illumina
Classification: Uncertain significance for Age related macular degeneration 9. Last evaluated: 2018-01-13. Review status: criteria provided, single submitter. Criteria: ICSL Variant Classification Criteria 13 December 2019. Collection method: clinical testing. Allele origin: germline.

Illumina Laboratory Services, Illumina
Classification: Uncertain significance for Complement component 3 deficiency. Last evaluated: 2018-01-13. Review status: criteria provided, single submitter. Criteria: ICSL Variant Classification Criteria 13 December 2019. Collection method: clinical testing. Allele origin: germline.

Illumina Laboratory Services, Illumina
Classification: Benign for Atypical hemolytic-uremic syndrome with C3 anomaly. Last evaluated: 2018-01-13. Review status: criteria provided, single submitter. Criteria: ICSL Variant Classification Criteria 13 December 2019. Collection method: clinical testing. Allele origin: germline.
Comment: This variant was observed in the ICSL laboratory as part of a predisposition screen in an ostensibly healthy population. It had not been previously curated by ICSL or reported in the Human Gene Mutation Database (HGMD: prior to June 1st, 2018), and was therefore a candidate for classification through an automated scoring system. Utilizing variant allele frequency, disease prevalence and penetrance estimates, and inheritance mode, an automated score was calculated to assess if this variant is too frequent to cause the disease. Based on the score and internal cut-off values, a variant classified as benign is not then subjected to further curation. The score for this variant resulted in a classification of benign for this disease.

Literature cited by the submitters: PubMed 25608561 (cited by 4 submitters); PubMed 30131807 (cited by 4 submitters); PubMed 35619721 (cited by Women's Health and Genetics/Laboratory Corporation of America, LabCorp and Genomenon, Inc); PubMed 36845135 (cited by 4 submitters); PubMed 19861685 (cited by 3 submitters); PubMed 25037630 (cited by Women's Health and Genetics/Laboratory Corporation of America, LabCorp); PubMed 28750931 (cited by Mayo Clinic Laboratories, Mayo Clinic).

NM_000064.4(C3):c.1898A>G (p.Lys633Arg)

Gene: C3 (complement C3; minus strand). Cytogenetic location: 19p13.3.
Variant type: single nucleotide variant.
Coding change: c.1898A>G on transcript NM_000064.4 (MANE Select); coding-DNA position 1898, A replaced by G.
Protein change: p.Lys633Arg; replaces lysine 633 with arginine.
Molecular consequence: missense variant.
Genome position (GRCh38, 1-based): chr19:6,707,877, T>C on the plus strand (A>G on the coding strand, the complement: C3 is on the minus strand). VCF-style: chr19-6707877-T-C. GRCh37 (hg19) VCF-style: chr19-6707888-T-C.
Other names: p.Lys633Arg; c.1898A>G (LRG_27t1); short protein forms K633R.
Identifiers: ClinVar variation 330314 (VCV000330314.21), dbSNP rs140655115, ClinGen allele CA9129280.